The following is an entry in ClinVar:

ClinVar aggregate classification (germline): Uncertain significance (1 of 4 stars; one submission).

Conditions:
Charcot-Marie-Tooth disease type 4. Also called: Charcot-Marie-Tooth disease, type IV; Charcot-Marie-Tooth, Type 4. Identifiers: Orphanet 64749, MedGen C4082197, MONDO:0018995.

Submission:

Labcorp Genetics (formerly Invitae), Labcorp
Classification: Uncertain significance for Charcot-Marie-Tooth disease type 4. Last evaluated: 2021-12-21. Review status: criteria provided, single submitter. Criteria: Invitae Variant Classification Sherloc (09022015). Collection method: clinical testing. Allele origin: germline.
Comment: This sequence change replaces arginine, which is basic and polar, with lysine, which is basic and polar, at codon 4 of the PRX protein (p.Arg4Lys). In summary, the available evidence is currently insufficient to determine the role of this variant in disease. Therefore, it has been classified as a Variant of Uncertain Significance. Algorithms developed to predict the effect of missense changes on protein structure and function are either unavailable or do not agree on the potential impact of this missense change (SIFT: "Tolerated"; PolyPhen-2: "Not Available"; Align-GVGD: "Class C0"). This variant has not been reported in the literature in individuals affected with PRX-related conditions. This variant is not present in population databases (gnomAD no frequency).

NM_181882.3(PRX):c.11G>A (p.Arg4Lys)

Gene: PRX (periaxin; minus strand). Cytogenetic location: 19q13.2.
Variant type: single nucleotide variant.
Coding change: c.11G>A on transcript NM_181882.3 (MANE Select); coding-DNA position 11, G replaced by A.
Protein change: p.Arg4Lys; replaces arginine 4 with lysine.
Molecular consequence: missense variant.
Genome position (GRCh38, 1-based): chr19:40,407,922, C>T on the plus strand (G>A on the coding strand, the complement: PRX is on the minus strand). VCF-style: chr19-40407922-C-T. GRCh37 (hg19) VCF-style: chr19-40913829-C-T.
Other names: c.296G>A, p.Arg99Lys (NM_001411127.1); c.11G>A, p.Arg4Lys (NM_020956.2); short protein forms R4K, R99K.
Identifiers: ClinVar variation 2051167 (VCV002051167.4), dbSNP rs2514822904, ClinGen allele CA405902060.
Genomic context (GRCh38, chr19:40,407,922, plus strand): 5'-CCCATTGCCCTCAAGTGCGCCTTGCAGGACACGTGGGCACTCACCTCGGCACTCCGGCTC[C>T]TGGCCTCCATGGCGTTGCTGGGAGGCACCTGCACCCCAGGCTCCTGTGTCCTCTCCCCTT-3'
Protein context (NP_870998.2, residues 1-14): MEA[Arg4Lys]SRSAEELRRA